The following is an entry in ClinVar:

ClinVar aggregate classification (germline): Uncertain significance. Review status: criteria provided, multiple submitters, no conflicts (2 of 4 stars). 2 submissions from 2 submitters: Uncertain significance (2). Last evaluated 2025-11-26.

Conditions:
Inborn genetic diseases. Identifiers: MedGen C0950123, MeSH D030342.

Submissions (2):

Ambry Genetics
Classification: Uncertain significance for Inborn genetic diseases. Last evaluated: 2025-11-26. Review status: criteria provided, single submitter. Criteria: Ambry Variant Classification Scheme 2023. Collection method: clinical testing. Allele origin: germline.

GeneDx
Classification: Uncertain significance. Last evaluated: 2023-12-21. Review status: criteria provided, single submitter. Criteria: GeneDx Variant Classification Process June 2021. Collection method: clinical testing. Allele origin: germline. Affected: yes.
Comment: Not observed at significant frequency in large population cohorts (gnomAD); In silico analysis supports that this missense variant does not alter protein structure/function; Has not been previously published as pathogenic or benign to our knowledge

NM_002234.4(KCNA5):c.854C>G (p.Pro285Arg)

Gene: KCNA5 (potassium voltage-gated channel subfamily A member 5; plus strand). Cytogenetic location: 12p13.32.
Variant type: single nucleotide variant.
Coding change: c.854C>G on transcript NM_002234.4 (MANE Select); coding-DNA position 854, C replaced by G.
Protein change: p.Pro285Arg; replaces proline 285 with arginine.
Molecular consequence: missense variant.
Genome position (GRCh38, 1-based): chr12:5,045,001, C>G. VCF-style: chr12-5045001-C-G. GRCh37 (hg19) VCF-style: chr12-5154167-C-G.
Other names: short protein forms P285R.
Identifiers: ClinVar variation 3370035 (VCV003370035.2).